The following is an entry in ClinVar:

ClinVar aggregate classification (germline): Uncertain significance (1 of 4 stars; one submission).

Conditions:
Oculocutaneous albinism type 1A (OCA1A). Also called: Albinism, oculocutaneous, type IA. Identifiers: Orphanet 352731, Orphanet 79431, MedGen C4551504, MONDO:0008745, OMIM 203100. Disease mechanism: loss of function.

Submission:

Neuberg Centre For Genomic Medicine, NCGM
Classification: Uncertain significance for Oculocutaneous albinism type 1A. Review status: criteria provided, single submitter. Criteria: ACMG Guidelines, 2015. Collection method: clinical testing. Allele origin: germline. Affected: yes.
Comment: The missense variant p.L401P in TYR (NM_000372.5) has not been reported previously as a pathogenic variant nor as a benign variant, to our knowledge. The p.L401P variant is novel (not in any individuals) in gnomAD Exomes and is novel (not in any individuals) in 1000 Genomes. There is a moderate physicochemical difference between leucine and proline. The p.L401P missense variant is predicted to be damaging by both SIFT and PolyPhen2. The nucleotide c.1202 in TYR is predicted conserved by GERP++ and PhyloP across 100 vertebrates. For these reasons, this variant has been classified as Uncertain Significance.

NM_000372.5(TYR):c.1202T>C (p.Leu401Pro)

Gene: TYR (tyrosinase; plus strand). Cytogenetic location: 11q14.3.
Variant type: single nucleotide variant.
Coding change: c.1202T>C on transcript NM_000372.5 (MANE Select); coding-DNA position 1202, T replaced by C.
Protein change: p.Leu401Pro; replaces leucine 401 with proline.
Molecular consequence: missense variant.
Genome position (GRCh38, 1-based): chr11:89,284,790, T>C. VCF-style: chr11-89284790-T-C. GRCh37 (hg19) VCF-style: chr11-89017958-T-C.
Other names: short protein forms L401P.
Identifiers: ClinVar variation 1338974 (VCV001338974.2), dbSNP rs2135324201, ClinGen allele CA382077857.